The following is an entry in ClinVar:

ClinVar aggregate classification (germline): Pathogenic (1 of 4 stars; one submission).

Conditions:
Dilated cardiomyopathy 1DD (CMD1DD). Identifiers: Orphanet 154, MedGen C2750995, MONDO:0013168, OMIM 613172.

Submission:

Labcorp Genetics (formerly Invitae), Labcorp
Classification: Pathogenic for Dilated cardiomyopathy 1DD. Last evaluated: 2025-11-21. Review status: criteria provided, single submitter. Criteria: Invitae Variant Classification Sherloc (09022015). Collection method: clinical testing. Allele origin: germline.
Comment: This sequence change creates a premature translational stop signal (p.Tyr229*) in the RBM20 gene. It is expected to result in an absent or disrupted protein product. Loss-of-function variants in RBM20 are known to be pathogenic (PMID: 20590677, 22004663, 38288598, 38510713, 40339755). This variant is not present in population databases (gnomAD no frequency). This variant has not been reported in the literature in individuals affected with RBM20-related conditions. For these reasons, this variant has been classified as Pathogenic.

Literature cited by the submitters: PubMed 20590677; PubMed 22004663; PubMed 38288598; PubMed 38510713; PubMed 40339755.

NM_001134363.3(RBM20):c.687del (p.Phe228_Tyr229insTer)

Gene: RBM20 (RNA binding motif protein 20; plus strand). Cytogenetic location: 10q25.2.
Variant type: Deletion.
Coding change: c.687del on transcript NM_001134363.3 (MANE Select); coding-DNA position 687, one base deleted (T; older notation c.687delT).
Protein change: p.Phe228_Tyr229insTer.
Molecular consequence: nonsense.
Genome position (GRCh38, 1-based): chr10:110,781,296, T deleted. VCF-style (leftmost placement, unchanged base first): chr10-110781295-AT-A. GRCh37 (hg19) VCF-style: chr10-112541053-AT-A.
Identifiers: ClinVar variation 4761910 (VCV004761910.1).